The following is an entry in ClinVar:

NM_000080.4(CHRNE):c.235-2A>G

Genes: C17orf107 (chromosome 17 open reading frame 107; plus strand), CHRNE (cholinergic receptor nicotinic epsilon subunit; minus strand). Cytogenetic location: 17p13.2.
Variant type: single nucleotide variant.
Coding change: c.235-2A>G on transcript NM_000080.4 (MANE Select); the canonical splice acceptor site of the intron before coding-DNA position 235, A replaced by G.
Molecular consequence: splice acceptor variant. On other transcripts: 3 prime UTR variant (1).
Genome position (GRCh38, 1-based): chr17:4,902,328, T>C on the plus strand (A>G on the coding strand, the complement: CHRNE is on the minus strand). VCF-style: chr17-4902328-T-C. GRCh37 (hg19) VCF-style: chr17-4805623-T-C.
Other names: c.*1795T>C (NM_001145536.2).
Identifiers: ClinVar variation 647617 (VCV000647617.8), dbSNP rs1597622118, ClinGen allele CA397307394.
Genomic context (GRCh38, chr17:4,902,328, plus strand): 5'-AGGGTTTCTATACCCCCAAAGTCGTCCTTGCTGTAGTTGAGTCGGTAATCCTGCCAATCC[T>C]AAGGGGTGGGGGATGGAAGGCCGCGTGCCCTGCATCTCCCACCTGGCGCTGCCTGGGAGG-3'

ClinVar aggregate classification (germline): Likely pathogenic. Review status: criteria provided, multiple submitters, no conflicts (2 of 4 stars). 2 submissions from 2 submitters: Likely pathogenic (2). Last evaluated 2022-05-23.

Conditions:
Congenital myasthenic syndrome 4A. Also called: Myasthenic syndrome, congenital, 4a, slow-channel; CONGENITAL MYASTHENIC SYNDROME TYPE Ia1; MYASTHENIC SYNDROME, CONGENITAL, 4A, SLOW-CHANNEL, AUTOSOMAL RECESSIVE. Identifiers: Orphanet 590, MedGen C4225413, MONDO:0011600, OMIM 605809.
Congenital myasthenic syndrome 4B. Also called: Myasthenic syndrome, congenital, 4b, fast-channel. Identifiers: Orphanet 590, MedGen C4225369, MONDO:0014586, OMIM 616324.
Congenital myasthenic syndrome 4C (CMS4C). Also called: Myasthenic syndrome, congenital, associated with acetylcholine receptor deficiency. Identifiers: Orphanet 590, MedGen C1837091, MONDO:0012157, OMIM 608931.

Submissions (2):

Fulgent Genetics
Classification: Likely pathogenic for Congenital myasthenic syndrome 4A; Congenital myasthenic syndrome 4C; Congenital myasthenic syndrome 4B. Last evaluated: 2022-05-23. Review status: criteria provided, single submitter. Criteria: ACMG Guidelines, 2015. Collection method: clinical testing. Allele origin: unknown.

Labcorp Genetics (formerly Invitae), Labcorp
Classification: Likely pathogenic for Congenital myasthenic syndrome 4A. Last evaluated: 2018-11-26. Review status: criteria provided, single submitter. Criteria: Invitae Variant Classification Sherloc (09022015). Collection method: clinical testing. Allele origin: germline.
Comment: This variant is not present in population databases (ExAC no frequency). This sequence change affects an acceptor splice site in intron 3 of the CHRNE gene. It is expected to disrupt RNA splicing and likely results in an absent or disrupted protein product. This variant has not been reported in the literature in individuals with CHRNE-related disease. In summary, the currently available evidence indicates that the variant is pathogenic, but additional data are needed to prove that conclusively. Therefore, this variant has been classified as Likely Pathogenic. Donor and acceptor splice site variants typically lead to a loss of protein function (PMID: 16199547), and loss-of-function variants in CHRNE are known to be pathogenic (PMID: 22678886).

Literature cited by the submitters: PubMed 16199547 (cited by Labcorp Genetics (formerly Invitae), Labcorp); PubMed 22678886 (cited by Labcorp Genetics (formerly Invitae), Labcorp).